The following is an entry in ClinVar:

ClinVar aggregate classification (germline): Uncertain significance (1 of 4 stars; one submission).

Conditions:
Mucopolysaccharidosis type 1. Also called: IDUA deficiency; MPS I; Mucopolysaccharidosis Type I. Identifiers: Orphanet 579, MedGen C0023786, MONDO:0001586.

Submission:

Labcorp Genetics (formerly Invitae), Labcorp
Classification: Uncertain significance for Mucopolysaccharidosis type 1. Last evaluated: 2022-10-24. Review status: criteria provided, single submitter. Criteria: Invitae Variant Classification Sherloc (09022015). Collection method: clinical testing. Allele origin: germline.
Comment: This variant has not been reported in the literature in individuals affected with IDUA-related conditions. This variant is not present in population databases (gnomAD no frequency). This variant, c.1118_1120del, results in the deletion of 1 amino acid(s) of the IDUA protein (p.Asn373del), but otherwise preserves the integrity of the reading frame. In summary, the available evidence is currently insufficient to determine the role of this variant in disease. Therefore, it has been classified as a Variant of Uncertain Significance.

NM_000203.5(IDUA):c.1115ACA[1] (p.Asn373del)

Gene: IDUA (alpha-L-iduronidase; plus strand). Cytogenetic location: 4p16.3.
Variant type: Microsatellite.
Coding change: c.1115ACA[1] on transcript NM_000203.5 (MANE Select); one copy of the 3-base unit ACA starting at c.1115; the reference has two copies in a row; one copy, 3 bases deleted.
Protein change: p.Asn373del; deletes asparagine 373.
Molecular consequence: inframe deletion. On other transcripts: non-coding transcript variant (1).
Genome position (GRCh38, 1-based): chr4:1,002,414-1,002,416, ACA deleted; deleting any 3 consecutive bases within chr4:1,002,409-1,002,416 gives the same sequence; the position shown is the placement nearest the transcript's 3' end. VCF-style (leftmost placement, unchanged base first): chr4-1002408-TCAA-T. GRCh37 (hg19) VCF-style: chr4-996196-TCAA-T.
Other names: c.719ACA[1], p.Asn241del (NM_001363576.1); short protein forms N241del, N373del.
Identifiers: ClinVar variation 1024126 (VCV001024126.9), dbSNP rs1715148258, ClinGen allele CA1433069426.